The following is an entry in ClinVar:

NM_001173464.2(KIF21A):c.203G>A (p.Cys68Tyr)

Gene: KIF21A (kinesin family member 21A; minus strand). Cytogenetic location: 12q12.
Variant type: single nucleotide variant.
Coding change: c.203G>A on transcript NM_001173464.2 (MANE Select); coding-DNA position 203, G replaced by A.
Protein change: p.Cys68Tyr; replaces cysteine 68 with tyrosine.
Molecular consequence: missense variant.
Genome position (GRCh38, 1-based): chr12:39,370,103, C>T on the plus strand (G>A on the coding strand, the complement: KIF21A is on the minus strand). VCF-style: chr12-39370103-C-T. GRCh37 (hg19) VCF-style: chr12-39763905-C-T.
Other names: c.203G>A, p.Cys68Tyr (NM_001173463.2, NM_001173465.2, NM_001378439.1 and 3 more transcripts); short protein forms C68Y.
Identifiers: ClinVar variation 2574260 (VCV002574260.1), dbSNP rs2502444900, ClinGen allele CA384388826.

ClinVar aggregate classification (germline): Uncertain significance (1 of 4 stars; one submission).

Allele frequency attached by ClinVar (database versions not stated): gnomAD exomes below 0.00001.
gnomAD v4.1: 1 of 1,613,746 alleles (0.000062%); highest among the groups gnomAD compares: African/African-American, 0.0013%; no homozygotes.

Submission:

GeneDx
Classification: Uncertain significance. Last evaluated: 2023-01-31. Review status: criteria provided, single submitter. Criteria: GeneDx Variant Classification Process June 2021. Collection method: clinical testing. Allele origin: germline. Affected: yes.
Comment: Not observed at significant frequency in large population cohorts (gnomAD); In silico analysis supports that this missense variant has a deleterious effect on protein structure/function; Has not been previously published as pathogenic or benign to our knowledge